The following is an entry in ClinVar:

NM_002519.3(NPAT):c.3914T>C (p.Met1305Thr)

Gene: NPAT (nuclear protein, coactivator of histone transcription; minus strand). Cytogenetic location: 11q22.3.
Variant type: single nucleotide variant.
Coding change: c.3914T>C on transcript NM_002519.3 (MANE Select); coding-DNA position 3914, T replaced by C.
Protein change: p.Met1305Thr; replaces methionine 1305 with threonine.
Molecular consequence: missense variant.
Genome position (GRCh38, 1-based): chr11:108,161,172, A>G on the plus strand (T>C on the coding strand, the complement: NPAT is on the minus strand). VCF-style: chr11-108161172-A-G. GRCh37 (hg19) VCF-style: chr11-108031899-A-G.
Other names: c.3935T>C, p.Met1312Thr (NM_001321307.1); short protein forms M1305T, M1312T.
Identifiers: ClinVar variation 1736135 (VCV001736135.2), dbSNP rs1472887061, ClinGen allele CA382509768.

ClinVar aggregate classification (germline): Uncertain significance (1 of 4 stars; one submission).

Submission:

Ambry Genetics
Classification: Uncertain significance. Last evaluated: 2022-10-17. Review status: criteria provided, single submitter. Criteria: Ambry Variant Classification Scheme 2023. Collection method: clinical testing. Allele origin: germline.
Comment: The p.M1305T variant (also known as c.3914T>C), located in coding exon 17 of the NPAT gene, results from a T to C substitution at nucleotide position 3914. The methionine at codon 1305 is replaced by threonine, an amino acid with similar properties. This amino acid position is conserved. In addition, this alteration is predicted to be tolerated by in silico analysis. Since supporting evidence is limited at this time, the clinical significance of this alteration remains unclear.